The following is an entry in ClinVar:

ClinVar aggregate classification (germline): Uncertain significance. Review status: criteria provided, multiple submitters, no conflicts (2 of 4 stars). 2 submissions from 2 submitters: Uncertain significance (2). Last evaluated 2022-11-15.

Conditions:
Facioscapulohumeral muscular dystrophy 2 (FSHD2). Also called: MUSCULAR DYSTROPHY, FACIOSCAPULOHUMERAL, TYPE 1B; FACIOSCAPULOHUMERAL MUSCULAR DYSTROPHY 2, DIGENIC; FSHD2, DIGENIC. Identifiers: Orphanet 269, MedGen C1834671, MONDO:0008031, OMIM 158901.

Submissions (2):

Labcorp Genetics (formerly Invitae), Labcorp
Classification: Uncertain significance for Facioscapulohumeral muscular dystrophy 2. Last evaluated: 2022-11-15. Review status: criteria provided, single submitter. Criteria: Invitae Variant Classification Sherloc (09022015). Collection method: clinical testing. Allele origin: germline.
Comment: In summary, the available evidence is currently insufficient to determine the role of this variant in disease. Therefore, it has been classified as a Variant of Uncertain Significance. Advanced modeling of protein sequence and biophysical properties (such as structural, functional, and spatial information, amino acid conservation, physicochemical variation, residue mobility, and thermodynamic stability) performed at Invitae indicates that this missense variant is not expected to disrupt SMCHD1 protein function. ClinVar contains an entry for this variant (Variation ID: 1420684). This variant has not been reported in the literature in individuals affected with SMCHD1-related conditions. This variant is not present in population databases (gnomAD no frequency). This sequence change replaces lysine, which is basic and polar, with arginine, which is basic and polar, at codon 1367 of the SMCHD1 protein (p.Lys1367Arg).

GeneDx
Classification: Uncertain significance. Last evaluated: 2022-11-08. Review status: criteria provided, single submitter. Criteria: GeneDx Variant Classification Process June 2021. Collection method: clinical testing. Allele origin: germline. Affected: yes.
Comment: Not observed at significant frequency in large population cohorts (gnomAD); In silico analysis supports that this missense variant does not alter protein structure/function; Has not been previously published as pathogenic or benign to our knowledge

NM_015295.3(SMCHD1):c.4100A>G (p.Lys1367Arg)

Gene: SMCHD1 (structural maintenance of chromosomes flexible hinge domain containing 1; plus strand). Cytogenetic location: 18p11.32.
Variant type: single nucleotide variant.
Coding change: c.4100A>G on transcript NM_015295.3 (MANE Select); coding-DNA position 4100, A replaced by G.
Protein change: p.Lys1367Arg; replaces lysine 1367 with arginine.
Molecular consequence: missense variant.
Genome position (GRCh38, 1-based): chr18:2,750,442, A>G. VCF-style: chr18-2750442-A-G. GRCh37 (hg19) VCF-style: chr18-2750440-A-G.
Other names: c.4100A>G (NM_015295.2); short protein forms K1367R.
Identifiers: ClinVar variation 1420684 (VCV001420684.6), dbSNP rs2143618974, ClinGen allele CA401692135.